The following is an entry in ClinVar:

NM_012188.5(FOXI1):c.234C>T (p.Gly78=)

Gene: FOXI1 (forkhead box I1; plus strand). Cytogenetic location: 5q35.1.
Variant type: single nucleotide variant.
Coding change: c.234C>T on transcript NM_012188.5 (MANE Select); coding-DNA position 234, C replaced by T.
Protein change: p.Gly78=; no amino-acid change (glycine 78 retained).
Molecular consequence: synonymous variant.
Genome position (GRCh38, 1-based): chr5:170,106,191, C>T. VCF-style: chr5-170106191-C-T. GRCh37 (hg19) VCF-style: chr5-169533195-C-T.
Other names: c.234C>T (NM_012188.4); c.234C>T, p.Gly78= (NM_144769.4).
Identifiers: ClinVar variation 2904167 (VCV002904167.5), dbSNP rs1356467120, ClinGen allele CA447971131.

ClinVar aggregate classification (germline): Likely benign. Review status: criteria provided, single submitter (1 of 4 stars). 2 submissions from 2 submitters: Likely benign (1). 1 of the submissions does not count toward it. Last evaluated 2023-05-27.

Conditions:
FOXI1-related disorder. Also called: FOXI1-related condition.

gnomAD v4.1: 50 of 1,586,886 alleles (0.0032%); highest among the groups gnomAD compares: Middle Eastern, 0.017%; no homozygotes.

Submissions (2):

Labcorp Genetics (formerly Invitae), Labcorp
Classification: Likely benign. Last evaluated: 2023-05-27. Review status: criteria provided, single submitter. Criteria: Invitae Variant Classification Sherloc (09022015). Collection method: clinical testing. Allele origin: germline.

PreventionGenetics, part of Exact Sciences
Classification: Likely benign for FOXI1-related condition. Last evaluated: 2019-05-23. Review status: no assertion criteria provided. Collection method: clinical testing. Allele origin: germline. Not counted in ClinVar's aggregate classification.
Comment: This variant is classified as likely benign based on ACMG/AMP sequence variant interpretation guidelines (Richards et al. 2015 PMID: 25741868, with internal and published modifications).